The following is an entry in ClinVar:

NM_007294.4(BRCA1):c.2933_2949del (p.Tyr978fs)

Gene: BRCA1 (BRCA1 DNA repair associated; minus strand). Cytogenetic location: 17q21.31.
Variant type: Deletion.
Coding change: c.2933_2949del on transcript NM_007294.4 (MANE Select); coding-DNA positions 2933 to 2949, 17 bases deleted (ATCGTATACCACCACTT).
Protein change: p.Tyr978fs; shifts the reading frame from tyrosine 978.
Molecular consequence: frameshift variant. On other transcripts: intron variant (137).
Genome position (GRCh38, 1-based): chr17:43,092,582-43,092,598, AAGTGGTGGTATACGAT deleted on the plus strand (ATCGTATACCACCACTT on the coding strand, the reverse complement: BRCA1 is on the minus strand); deleting any 17 consecutive bases within chr17:43,092,582-43,092,599 gives the same sequence; the c. name uses the placement nearest the transcript's 3' end. VCF-style (leftmost placement, unchanged base first): chr17-43092581-AAAGTGGTGGTATACGAT-A. GRCh37 (hg19) VCF-style: chr17-41244598-AAAGTGGTGGTATACGAT-A.
Other names: c.2720_2736del, p.Tyr907fs (NM_001407571.1, NM_001407853.1, NM_001407894.1 and 9 more transcripts); c.2933_2949del, p.Tyr978fs (NM_001407581.1, NM_001407582.1, NM_001407583.1 and 30 more transcripts); c.2930_2946del, p.Tyr977fs (NM_001407587.1, NM_001407590.1, NM_001407591.1 and 22 more transcripts); c.2924_2940del, p.Tyr975fs (NM_001407646.1, NM_001407647.1); c.2810_2826del, p.Tyr937fs (NM_001407648.1, NM_001407664.1, NM_001407665.1 and 19 more transcripts); c.2807_2823del, p.Tyr936fs (NM_001407649.1, NM_001407670.1, NM_001407671.1 and 11 more transcripts); c.2855_2871del, p.Tyr952fs (NM_001407653.1, NM_001407654.1, NM_001407655.1 and 4 more transcripts); c.2852_2868del, p.Tyr951fs (NM_001407659.1, NM_001407660.1, NM_001407661.1 and 1 more transcripts); and 42 more; short protein forms Y867fs, Y930fs, Y975fs, Y978fs, Y682fs, Y850fs, Y851fs, Y936fs.
Identifiers: ClinVar variation 3572266 (VCV003572266.1).

ClinVar aggregate classification (germline): Likely pathogenic (1 of 4 stars; one submission).

Submission:

Quest Diagnostics Nichols Institute San Juan Capistrano
Classification: Likely pathogenic. Last evaluated: 2024-06-27. Review status: criteria provided, single submitter. Criteria: Quest Diagnostics criteria. Collection method: clinical testing. Allele origin: unknown.
Comment: The BRCA1 c.2933_2949del (p.Tyr978Phefs*8) variant alters the translational reading frame of the BRCA1 mRNA and is predicted to cause the premature termination of BRCA1 protein synthesis. This variant has not been reported in individuals with BRCA1-related conditions in the published literature. This variant has not been reported in large, multi-ethnic general populations (Genome Aggregation Database). Based on the available information, this variant is classified as likely pathogenic.